The following is an entry in ClinVar:

NM_003896.4(ST3GAL5):c.66G>A (p.Ala22=)

Genes: ST3GAL5 (ST3 beta-galactoside alpha-2,3-sialyltransferase 5; minus strand), LOC129934236 (ATAC-STARR-seq lymphoblastoid silent region 11709; plus strand). Cytogenetic location: 2p11.2.
Variant type: single nucleotide variant.
Coding change: c.66G>A on transcript NM_003896.4 (MANE Select); coding-DNA position 66, G replaced by A.
Protein change: p.Ala22=; no amino-acid change (alanine 22 retained).
Molecular consequence: synonymous variant. On other transcripts: 5 prime UTR variant (6).
Genome position (GRCh38, 1-based): chr2:85,888,840, C>T on the plus strand (G>A on the coding strand, the complement: ST3GAL5 is on the minus strand). VCF-style: chr2-85888840-C-T. GRCh37 (hg19) VCF-style: chr2-86115963-C-T.
Other names: c.-897G>A (NM_001354223.2); c.-559G>A (NM_001354224.2); c.-496G>A (NM_001354226.2); c.-206G>A (NM_001354227.2); c.-150G>A (NM_001354229.2); c.-936G>A (NM_001354233.2); c.66G>A, p.Ala22= (NM_001363847.1).
Identifiers: ClinVar variation 1572139 (VCV001572139.22), dbSNP rs916185846, ClinGen allele CA51351169.

ClinVar aggregate classification (germline): Likely benign. Review status: criteria provided, multiple submitters, no conflicts (2 of 4 stars). 2 submissions from 2 submitters: Likely benign (2). Last evaluated 2024-09-01.

Conditions:
GM3 synthase deficiency (SPDRS). Also called: SALT AND PEPPER DEVELOPMENTAL REGRESSION SYNDROME; SALT AND PEPPER MENTAL RETARDATION SYNDROME; AMISH INFANTILE EPILEPSY SYNDROME. Identifiers: Orphanet 171714, Orphanet 370933, MedGen C1836824, MONDO:0018274, OMIM 609056.

Allele frequency attached by ClinVar (database versions not stated): TOPMed 0.00010; gnomAD 0.00011.
gnomAD v4.1: 158 of 1,294,418 alleles (0.012%); highest among the groups gnomAD compares: African/African-American, 0.015%; no homozygotes.

Submissions (2):

CeGaT Center for Human Genetics Tuebingen
Classification: Likely benign. Last evaluated: 2024-09-01. Review status: criteria provided, single submitter. Criteria: CeGaT Center For Human Genetics Tuebingen Variant Classification Criteria Version 2. Collection method: clinical testing. Allele origin: germline. Affected: yes. Observed: 1 variant allele.
Comment: ST3GAL5: BP4, BP7

Labcorp Genetics (formerly Invitae), Labcorp
Classification: Likely benign for GM3 synthase deficiency. Last evaluated: 2024-03-16. Review status: criteria provided, single submitter. Criteria: Invitae Variant Classification Sherloc (09022015). Collection method: clinical testing. Allele origin: germline.